The following is an entry in ClinVar:

ClinVar aggregate classification (germline): Likely benign. Review status: criteria provided, multiple submitters, no conflicts (2 of 4 stars). 4 submissions from 4 submitters: Likely benign (4). Last evaluated 2026-09-01.

Conditions:
Epidermolysis bullosa simplex 5C, with pyloric atresia (EBS5C). Also called: PLEC-Related Epidermolysis Bullosa with Pyloric Atresia; Epidermolysis bullosa simplex with pyloric atresia; PLEC1-Related Epidermolysis Bullosa with Pyloric Atresia. Identifiers: Orphanet 158684, MedGen C2677349, MONDO:0012807, OMIM 612138.
Epidermolysis bullosa simplex 5B, with muscular dystrophy (EBS5B). Also called: EPIDERMOLYSIS BULLOSA SIMPLEX AND LIMB-GIRDLE MUSCULAR DYSTROPHY; Epidermolysis bullosa simplex with muscular dystrophy. Identifiers: Orphanet 257, MedGen C2931072, MONDO:0009181, OMIM 226670.
Autosomal recessive limb-girdle muscular dystrophy type 2Q (LGMDR17). Also called: MUSCULAR DYSTROPHY, LIMB-GIRDLE, AUTOSOMAL RECESSIVE 17. Identifiers: Orphanet 254361, MedGen C3150989, MONDO:0013390, OMIM 613723.
Epidermolysis bullosa simplex with nail dystrophy (EBS5D). Identifiers: MedGen C4225309, MONDO:0014661, OMIM 616487.
Epidermolysis bullosa simplex, Ogna type (EBS5A). Also called: Pidermolysis bullosa simplex 5A, Ogna type; EPIDERMOLYSIS BULLOSA SIMPLEX 5A, OGNA TYPE. Identifiers: Orphanet 79401, MedGen C0432317, MONDO:0007555, OMIM 131950.

Allele frequency attached by ClinVar (database versions not stated): ExAC 0.00010; gnomAD exomes 0.00012 and 0.00004; TOPMed 0.00003; gnomAD 0.00006.
gnomAD v4.1: 71 of 1,607,444 alleles (0.0044%); highest among the groups gnomAD compares: South Asian, 0.057%; no homozygotes.

Submissions (4):

CeGaT Center for Human Genetics Tuebingen
Classification: Likely benign. Last evaluated: 2026-09-01. Review status: criteria provided, single submitter. Criteria: CeGaT Center For Human Genetics Tuebingen Variant Classification Criteria Version 2. Collection method: clinical testing. Allele origin: germline. Affected: yes. Observed: 1 variant allele.
Comment: PLEC: BP4, BP7

Labcorp Genetics (formerly Invitae), Labcorp
Classification: Likely benign for Autosomal recessive limb-girdle muscular dystrophy type 2Q; Epidermolysis bullosa simplex, Ogna type; Epidermolysis bullosa simplex with nail dystrophy; Epidermolysis bullosa simplex 5C, with pyloric atresia; Epidermolysis bullosa simplex 5B, with muscular dystrophy. Last evaluated: 2025-08-14. Review status: criteria provided, single submitter. Criteria: Invitae Variant Classification Sherloc (09022015). Collection method: clinical testing. Allele origin: germline.

Blueprint Genetics
Classification: Likely benign. Last evaluated: 2022-08-18. Review status: criteria provided, single submitter. Criteria: ACMG Guidelines, 2015. Collection method: clinical testing. Allele origin: germline.

GeneDx
Classification: Likely benign. Last evaluated: 2018-01-24. Review status: criteria provided, single submitter. Criteria: GeneDx Variant Classification (06012015). Collection method: clinical testing. Allele origin: germline. Affected: yes.
Comment: This variant is considered likely benign or benign based on one or more of the following criteria: it is a conservative change, it occurs at a poorly conserved position in the protein, it is predicted to be benign by multiple in silico algorithms, and/or has population frequency not consistent with disease.

NM_201384.3(PLEC):c.6651G>A (p.Thr2217=)

Gene: PLEC (plectin; minus strand). Cytogenetic location: 8q24.3.
Variant type: single nucleotide variant.
Coding change: c.6651G>A on transcript NM_201384.3 (MANE Select); coding-DNA position 6651, G replaced by A.
Protein change: p.Thr2217=; no amino-acid change (threonine 2217 retained).
Molecular consequence: synonymous variant.
Genome position (GRCh38, 1-based): chr8:143,923,278, C>T on the plus strand (G>A on the coding strand, the complement: PLEC is on the minus strand). VCF-style: chr8-143923278-C-T. GRCh37 (hg19) VCF-style: chr8-144997446-C-T.
Other names: c.6732G>A, p.Thr2244= (NM_000445.5); c.6609G>A, p.Thr2203= (NM_201378.4); c.6585G>A, p.Thr2195= (NM_201379.3); c.7062G>A, p.Thr2354= (NM_201380.4); c.6555G>A, p.Thr2185= (NM_201381.3); c.6651G>A, p.Thr2217= (NM_201382.4); c.6663G>A, p.Thr2221= (NM_201383.3).
Identifiers: ClinVar variation 514947 (VCV000514947.10), dbSNP rs782658127, ClinGen allele CA4925915.